The following is an entry in ClinVar:

NM_001042492.3(NF1):c.2486C>T (p.Ser829Phe)

Gene: NF1 (neurofibromin 1; plus strand). Cytogenetic location: 17q11.2.
Variant type: single nucleotide variant.
Coding change: c.2486C>T on transcript NM_001042492.3 (MANE Select); coding-DNA position 2486, C replaced by T.
Protein change: p.Ser829Phe; replaces serine 829 with phenylalanine.
Molecular consequence: missense variant.
Genome position (GRCh38, 1-based): chr17:31,229,101, C>T. VCF-style: chr17-31229101-C-T. GRCh37 (hg19) VCF-style: chr17-29556119-C-T.
Other names: c.2486C>T, p.Ser829Phe (NM_000267.4); short protein forms S829F.
Identifiers: ClinVar variation 568707 (VCV000568707.16), dbSNP rs1567848794, ClinGen allele CA398984045.

ClinVar aggregate classification (germline): Uncertain significance. Review status: criteria provided, multiple submitters, no conflicts (2 of 4 stars). 5 submissions from 5 submitters: Uncertain significance (5). Last evaluated 2026-06-26.

Conditions:
Cardiovascular phenotype. Identifiers: MedGen CN230736.
Hereditary cancer-predisposing syndrome. Also called: Hereditary Cancer Syndrome; Tumor predisposition; Hereditary neoplastic syndrome; Neoplastic Syndromes, Hereditary. Identifiers: Orphanet 140162, MedGen C0027672, MeSH D009386, MONDO:0015356.
Neurofibromatosis, type 1 (NF1). Also called: Peripheral type neurofibromatosis; Neurofibromatosis, type I; VON RECKLINGHAUSEN DISEASE; NEUROFIBROMATOSIS, TYPE I, SOMATIC. Identifiers: Orphanet 636, MedGen C0027831, MONDO:0018975, OMIM 162200. Disease mechanism: loss of function.

Submissions (5):

Ambry Genetics
Classification: Uncertain significance for Cardiovascular phenotype; Hereditary cancer-predisposing syndrome. Last evaluated: 2026-06-26. Review status: criteria provided, single submitter. Criteria: Ambry Variant Classification Scheme 2023. Collection method: clinical testing. Allele origin: germline.
Comment: The p.S829F variant (also known as c.2486C>T), located in coding exon 21 of the NF1 gene, results from a C to T substitution at nucleotide position 2486. The serine at codon 829 is replaced by phenylalanine, an amino acid with highly dissimilar properties. This amino acid position is highly conserved in available vertebrate species. In addition, this alteration is predicted to be tolerated by in silico analysis. Based on the available evidence, the clinical significance of this variant remains unclear.

Labcorp Genetics (formerly Invitae), Labcorp
Classification: Uncertain significance for Neurofibromatosis, type 1. Last evaluated: 2024-08-14. Review status: criteria provided, single submitter. Criteria: Invitae Variant Classification Sherloc (09022015). Collection method: clinical testing. Allele origin: germline.
Comment: This sequence change replaces serine, which is neutral and polar, with phenylalanine, which is neutral and non-polar, at codon 829 of the NF1 protein (p.Ser829Phe). This variant is not present in population databases (gnomAD no frequency). This variant has not been reported in the literature in individuals affected with NF1-related conditions. ClinVar contains an entry for this variant (Variation ID: 568707). Invitae Evidence Modeling of protein sequence and biophysical properties (such as structural, functional, and spatial information, amino acid conservation, physicochemical variation, residue mobility, and thermodynamic stability) indicates that this missense variant is not expected to disrupt NF1 protein function with a negative predictive value of 95%. In summary, the available evidence is currently insufficient to determine the role of this variant in disease. Therefore, it has been classified as a Variant of Uncertain Significance.

Quest Diagnostics Nichols Institute San Juan Capistrano
Classification: Uncertain significance. Last evaluated: 2024-03-21. Review status: criteria provided, single submitter. Criteria: Quest Diagnostics criteria. Collection method: clinical testing. Allele origin: unknown.

GeneDx
Classification: Uncertain significance. Last evaluated: 2022-08-23. Review status: criteria provided, single submitter. Criteria: GeneDx Variant Classification Process June 2021. Collection method: clinical testing. Allele origin: germline. Affected: yes.
Comment: Not observed at significant frequency in large population cohorts (gnomAD); In silico analysis supports that this missense variant does not alter protein structure/function; Has not been previously published as pathogenic or benign to our knowledge; This variant is associated with the following publications: (PMID: 25486365)

Genome-Nilou Lab
Classification: Uncertain significance for Neurofibromatosis, type 1. Last evaluated: 2022-03-15. Review status: criteria provided, single submitter. Criteria: ACMG Guidelines, 2015. Collection method: clinical testing. Allele origin: germline. Affected: no.

Literature cited by the submitters: PubMed 29290338 (cited by Quest Diagnostics Nichols Institute San Juan Capistrano).